The following is an entry in ClinVar:

NM_000179.3(MSH6):c.2194del (p.Arg732fs)

Gene: MSH6 (mutS homolog 6; plus strand). Cytogenetic location: 2p16.3.
Variant type: Deletion.
Coding change: c.2194del on transcript NM_000179.3 (MANE Select); coding-DNA position 2194, one base deleted (C; older notation c.2194delC).
Protein change: p.Arg732fs; shifts the reading frame from arginine 732.
Molecular consequence: frameshift variant.
Genome position (GRCh38, 1-based): chr2:47,800,177, C deleted. VCF-style (leftmost placement, unchanged base first): chr2-47800176-AC-A. GRCh37 (hg19) VCF-style: chr2-48027315-AC-A.
Other names: c.1804del, p.Arg602fs (NM_001281492.2); c.1288del, p.Arg430fs (NM_001281493.2, NM_001281494.2); c.2290delC, p.Arg764Glufs (NM_001406795.1, NM_001406802.1); c.2194delC, p.Arg732Glufs (NM_001406796.1, NM_001406798.1, NM_001406800.1 and 3 more transcripts); c.1897delC, p.Arg633Glufs (NM_001406797.1, NM_001406801.1, NM_001406805.1 and 10 more transcripts); c.1669delC, p.Arg557Glufs (NM_001406799.1, NM_001406806.1, NM_001406807.1); c.2116delC, p.Arg706Glufs (NM_001406804.1); c.1288delC, p.Arg430Glufs (NM_001406811.1, NM_001406812.1, NM_001406814.1 and 4 more transcripts); and 2 more; short protein forms R430fs, R602fs, R732fs.
Identifiers: ClinVar variation 1787463 (VCV001787463.2), dbSNP rs2530656535, ClinGen allele CA2580067792.
Genomic context (GRCh38, chr2:47,800,176, plus strand): 5'-CTTGGATTCTGACACAGTCAGCACTACAAGATCTGGTGCTATCTTCACCAAAGCCTATCA[AC>A]GAATGGTGCTAGATGCAGTGACATTAAACAACTTGGAGATTTTTCTGAATGGAACAAATG-3'

ClinVar aggregate classification (germline): Pathogenic (1 of 4 stars; one submission).

Conditions:
Hereditary cancer-predisposing syndrome. Also called: Neoplastic Syndromes, Hereditary; Tumor predisposition; Hereditary Cancer Syndrome; Hereditary neoplastic syndrome. Identifiers: Orphanet 140162, MedGen C0027672, MeSH D009386, MONDO:0015356.

Submission:

Ambry Genetics
Classification: Pathogenic for Hereditary cancer-predisposing syndrome. Last evaluated: 2017-11-21. Review status: criteria provided, single submitter. Criteria: Ambry Variant Classification Scheme 2023. Collection method: clinical testing. Allele origin: germline.
Comment: The c.2194delC pathogenic mutation, located in coding exon 4 of the MSH6 gene, results from a deletion of one nucleotide at nucleotide position 2194, causing a translational frameshift with a predicted alternate stop codon (p.R732Efs*4). This alteration is expected to result in loss of function by premature protein truncation or nonsense-mediated mRNA decay. As such, this alteration is interpreted as a disease-causing mutation.